The following is an entry in ClinVar:

NM_001080453.3(INTS1):c.4996C>T (p.His1666Tyr)

Gene: INTS1 (integrator complex subunit 1; minus strand). Cytogenetic location: 7p22.3.
Variant type: single nucleotide variant.
Coding change: c.4996C>T on transcript NM_001080453.3 (MANE Select); coding-DNA position 4996, C replaced by T.
Protein change: p.His1666Tyr; replaces histidine 1666 with tyrosine.
Molecular consequence: missense variant.
Genome position (GRCh38, 1-based): chr7:1,476,861, G>A on the plus strand (C>T on the coding strand, the complement: INTS1 is on the minus strand). VCF-style: chr7-1476861-G-A. GRCh37 (hg19) VCF-style: chr7-1516497-G-A.
Other names: c.1513C>T, p.His505Tyr (NM_015674.1); short protein forms H1666Y, H505Y.
Identifiers: ClinVar variation 2228108 (VCV002228108.2), dbSNP rs1338019861, ClinGen allele CA366583841.

ClinVar aggregate classification (germline): Uncertain significance (1 of 4 stars; one submission).

Conditions:
Inborn genetic diseases. Identifiers: MedGen C0950123, MeSH D030342.

Allele frequency attached by ClinVar (database versions not stated): gnomAD exomes 0.00001; gnomAD 0.00002; TOPMed 0.00003.
gnomAD v4.1: 9 of 1,612,810 alleles (0.00056%); highest among the groups gnomAD compares: Admixed American, 0.015%; no homozygotes.

Submission:

Ambry Genetics
Classification: Uncertain significance for Inborn genetic diseases. Last evaluated: 2020-12-29. Review status: criteria provided, single submitter. Criteria: Ambry Variant Classification Scheme 2023. Collection method: clinical testing. Allele origin: germline.
Comment: The c.4996C>T (p.H1666Y) alteration is located in exon 36 (coding exon 35) of the INTS1 gene. This alteration results from a C to T substitution at nucleotide position 4996, causing the histidine (H) at amino acid position 1666 to be replaced by a tyrosine (Y). The p.H1666Y alteration is predicted to be tolerated by in silico analysis. Based on insufficient or conflicting evidence, the clinical significance of this alteration remains unclear.